The following is an entry in ClinVar:

NM_000138.5(FBN1):c.916A>G (p.Asn306Asp)

Gene: FBN1 (fibrillin 1; minus strand). Cytogenetic location: 15q21.1.
Variant type: single nucleotide variant.
Coding change: c.916A>G on transcript NM_000138.5 (MANE Select); coding-DNA position 916, A replaced by G.
Protein change: p.Asn306Asp; replaces asparagine 306 with aspartic acid.
Molecular consequence: missense variant.
Genome position (GRCh38, 1-based): chr15:48,526,202, T>C on the plus strand (A>G on the coding strand, the complement: FBN1 is on the minus strand). VCF-style: chr15-48526202-T-C. GRCh37 (hg19) VCF-style: chr15-48818399-T-C.
Other names: short protein forms N306D.
Identifiers: ClinVar variation 920625 (VCV000920625.5), dbSNP rs2043912750, ClinGen allele CA392350213.

ClinVar aggregate classification (germline): Uncertain significance (1 of 4 stars; one submission).

Conditions:
Familial thoracic aortic aneurysm and aortic dissection (TAAD). Also called: Thoracic aortic aneurysms and dissections. Identifiers: Orphanet 91387, MedGen C4707243, MONDO:0019625.

Submission:

Color Diagnostics, LLC DBA Color Health
Classification: Uncertain significance for Familial thoracic aortic aneurysm and aortic dissection. Last evaluated: 2023-12-05. Review status: criteria provided, single submitter. Criteria: ACMG Guidelines, 2015. Collection method: clinical testing. Allele origin: germline.
Comment: This missense variant replaces asparagine with aspartic acid at codon 306 of the FBN1 protein. Computational prediction tools and conservation analyses suggest that this variant may have deleterious impact on the protein function. Computational splicing tools suggest that this variant may not impact RNA splicing. To our knowledge, functional assays have not been performed for this variant nor has this variant been reported in individuals affected with cardiovascular disorders in the literature. This variant has not been identified in the general population by the Genome Aggregation Database (gnomAD). Available evidence is insufficient to determine the role of this variant in disease conclusively. Therefore, this variant is classified as a Variant of Uncertain Significance.